The following is an entry in ClinVar:

ClinVar aggregate classification (germline): Benign/Likely benign. Review status: criteria provided, multiple submitters, no conflicts (2 of 4 stars). 18 submissions from 18 submitters: Benign (5); Likely benign (9). 4 of the submissions do not count toward it. Last evaluated 2026-03-01.

Conditions:
Fanconi anemia, complementation group S (FANCS). Identifiers: MedGen C4554406, MONDO:0054748, OMIM 617883.
Pancreatic cancer, susceptibility to, 4. Identifiers: Orphanet 1333, MedGen C3280442, MONDO:0013685, OMIM 614320.
Breast-ovarian cancer, familial, susceptibility to, 1 (BROVCA1). Also called: BRCA1 Hereditary Breast and Ovarian Cancer; OVARIAN CANCER, SUSCEPTIBILITY TO. Identifiers: Orphanet 145, MedGen C2676676, MONDO:0011450, OMIM 604370. Disease mechanism: loss of function.
Familial cancer of breast. Also called: BREAST CANCER, FAMILIAL; hereditary breast carcinoma; Hereditary breast cancer. Identifiers: Orphanet 227535, MedGen C0346153, MONDO:0016419, OMIM 114480. Disease mechanism: loss of function.
Hereditary cancer-predisposing syndrome. Also called: Hereditary Cancer Syndrome; Tumor predisposition; Neoplastic Syndromes, Hereditary; Hereditary neoplastic syndrome. Identifiers: Orphanet 140162, MedGen C0027672, MeSH D009386, MONDO:0015356.
Hereditary breast ovarian cancer syndrome. Also called: Breast and ovarian cancer; BRCA1- and BRCA2-Associated Hereditary Breast and Ovarian Cancer; Hereditary breast and ovarian cancer; Hereditary breast and ovarian cancer syndrome (HBOC); Hereditary breast and ovarian cancer syndrome; Hereditary breast and/or ovarian cancer syndrome. Identifiers: Orphanet 145, MedGen C0677776, MeSH D061325, MONDO:0003582. Disease mechanism: loss of function.

Allele frequency attached by ClinVar (database versions not stated): gnomAD exomes 0.00006 and 0.00018; ExAC 0.00028; 1000 Genomes Project 0.00060; gnomAD 0.00065 and 0.00066; ESP Exome Variant Server 0.00069; TOPMed 0.00079; 1000 Genomes Project 30x 0.00094.
gnomAD v4.1: 194 of 1,614,134 alleles (0.012%); highest among the groups gnomAD compares: African/African-American, 0.22%; no homozygotes.

Submissions 1 to 17 of 18:

CeGaT Center for Human Genetics Tuebingen
Classification: Likely benign. Last evaluated: 2026-03-01. Review status: criteria provided, single submitter. Criteria: CeGaT Center For Human Genetics Tuebingen Variant Classification Criteria Version 2. Collection method: clinical testing. Allele origin: germline. Affected: yes. Observed: 2 variant alleles.
Comment: BRCA1: BP2, BS1

Labcorp Genetics (formerly Invitae), Labcorp
Classification: Benign for Hereditary breast ovarian cancer syndrome. Last evaluated: 2026-01-31. Review status: criteria provided, single submitter. Criteria: Invitae Variant Classification Sherloc (09022015). Collection method: clinical testing. Allele origin: germline.

Dasa
Classification: Benign for Breast-ovarian cancer, familial, susceptibility to, 1. Last evaluated: 2026-01-27. Review status: criteria provided, single submitter. Criteria: DASA Assertion Criteria. Collection method: clinical testing. Allele origin: germline.
Comment: NM_007294.4(BRCA1):c.1427A>G (p.His476Arg) is a missense variant that results in the substitution of histidine with arginine. Population frequency is inconsistent with a disease-causing role for this variant. Therefore, based on the currently available evidence, this variant is classified as benign.

Blueprint Genetics
Classification: Likely benign. Last evaluated: 2024-09-04. Review status: criteria provided, single submitter. Criteria: ACMG Guidelines, 2015. Collection method: clinical testing. Allele origin: germline.

All of Us Research Program, National Institutes of Health
Classification: Likely benign for Breast-ovarian cancer, familial, susceptibility to, 1. Last evaluated: 2024-02-05. Review status: criteria provided, single submitter. Criteria: ACMG Guidelines, 2015. Collection method: clinical testing. Allele origin: germline. Inheritance: Autosomal dominant inheritance. Observed: 42 variant alleles, 42 heterozygotes.
Comment: This study involves interpretation of variants in research participants for the purpose of population health screening. Participant phenotype was not available at the time of variant classification. Additional details can be found in publication PMID: 35346344, PMCID: PMC8962531

Quest Diagnostics Nichols Institute San Juan Capistrano
Classification: Benign. Last evaluated: 2022-07-01. Review status: criteria provided, single submitter. Criteria: Quest Diagnostics criteria. Collection method: clinical testing. Allele origin: unknown.

National Health Laboratory Service, Universitas Academic Hospital and University of the Free State
Classification: Benign for Hereditary breast ovarian cancer syndrome. Last evaluated: 2021-11-16. Review status: criteria provided, single submitter. Criteria: ACMG Guidelines, 2015. Collection method: clinical testing. Allele origin: germline. Affected: yes. Observed: 1 variant allele.

Fulgent Genetics
Classification: Likely benign for Familial cancer of breast; Breast-ovarian cancer, familial, susceptibility to, 1; Pancreatic cancer, susceptibility to, 4; Fanconi anemia, complementation group S. Last evaluated: 2021-11-11. Review status: criteria provided, single submitter. Criteria: ACMG Guidelines, 2015. Collection method: clinical testing. Allele origin: unknown.

GeneDx
Classification: Likely benign. Last evaluated: 2021-05-05. Review status: criteria provided, single submitter. Criteria: GeneDx Variant Classification Process June 2021. Collection method: clinical testing. Allele origin: germline. Affected: yes.
Comment: This variant is associated with the following publications: (PMID: 12531920, 25348012, 24728327, 15829246, 16267036, 15235020, 15726418, 22811390, 23192404, 22516946, 26913838, 18273839, 25782689, 16518693, 27527004, 15385441)

Genetic Services Laboratory, University of Chicago
Classification: Likely benign. Last evaluated: 2021-04-19. Review status: criteria provided, single submitter. Criteria: ACMG Guidelines, 2015. Collection method: clinical testing. Allele origin: germline. Affected: no.

Sema4
Classification: Likely benign for Hereditary cancer-predisposing syndrome. Last evaluated: 2021-03-02. Review status: criteria provided, single submitter. Criteria: Sema4 Curation Guidelines. Collection method: curation. Allele origin: germline.

Ambry Genetics
Classification: Likely benign for Hereditary cancer-predisposing syndrome. Last evaluated: 2018-10-30. Review status: criteria provided, single submitter. Criteria: Ambry Variant Classification Scheme 2023. Collection method: clinical testing. Allele origin: germline.

Women's Health and Genetics/Laboratory Corporation of America, LabCorp
Classification: Benign. Last evaluated: 2017-08-07. Review status: criteria provided, single submitter. Criteria: LabCorp Variant Classification Summary - May 2015. Collection method: clinical testing. Allele origin: germline.
Comment: Variant summary: The BRCA1 c.1427A>G (p.His476Arg) variant causes a missense change involving the alteration of a non-conserved nucleotide located in the BRCA1, serine-rich domain (IPR025994) (InterPro). 3/5 in silico tools predict a damaging outcome for this variant. A functional study showed no dramatic effect on splicing for this variant (Anczukow_Genes Chromosomes and Cancer_2008). This variant was found in 34/121588 control chromosomes in the control population ExAc and in published studies, predominantly observed in the African subpopulation at a frequency of 0.00298 (31/10404). This frequency is about 3 times the estimated maximal expected allele frequency of a pathogenic BRCA1 variant (0.0010005), suggesting this is likely a benign polymorphism found primarily in the populations of African origin. The variant of interest has been reported in affected individuals via publications including one paper reporting the variant to co-occur with another deleterious BRCA1 variant, c.943ins10 (Judkins_2005) referenced in BIC, which also reports another individual with a co-occurring deleterious BRCA2 variant, c.5616_5620delAGTAA. This variant is found in two internal specimens co-occuring with pathogenic variants BRCA2 c.2957_2958insG and PMS2 c.2186_2187delTC. In addition, multiple clinical diagnostic laboratories/reputable databases classified this variant as likely benign/benign. Taken together, this variant is classified as benign.

Color Diagnostics, LLC DBA Color Health
Classification: Likely benign for Hereditary cancer-predisposing syndrome. Last evaluated: 2015-03-10. Review status: criteria provided, single submitter. Criteria: ACMG Guidelines, 2015. Collection method: clinical testing. Allele origin: germline.

Counsyl
Classification: Likely benign for Breast-ovarian cancer, familial 1. Last evaluated: 2014-12-30. Review status: no assertion criteria provided. Collection method: literature only. Allele origin: unknown. Inheritance: Autosomal dominant inheritance. Not counted in ClinVar's aggregate classification.

ITMI
No classification provided. Condition: AllHighlyPenetrant. Last evaluated: 2013-09-19. Review status: no classification provided. Collection method: reference population. Allele origin: germline. Not counted in ClinVar's aggregate classification.
Comment: Please see associated publication for description of ethnicities

Breast Cancer Information Core (BIC) (BRCA1)
Classification: Uncertain significance for Breast-ovarian cancer, familial 1. Last evaluated: 2002-05-29. Review status: no assertion criteria provided. Collection method: clinical testing. Allele origin: germline. Affected: yes. Observed: 8 variant alleles. Not counted in ClinVar's aggregate classification.

NM_007294.4(BRCA1):c.1427A>G (p.His476Arg)

Gene: BRCA1 (BRCA1 DNA repair associated; minus strand). Cytogenetic location: 17q21.31.
Variant type: single nucleotide variant.
Coding change: c.1427A>G on transcript NM_007294.4 (MANE Select); coding-DNA position 1427, A replaced by G.
Protein change: p.His476Arg; replaces histidine 476 with arginine.
Molecular consequence: missense variant. On other transcripts: intron variant (137).
Genome position (GRCh38, 1-based): chr17:43,094,104, T>C on the plus strand (A>G on the coding strand, the complement: BRCA1 is on the minus strand). VCF-style: chr17-43094104-T-C. GRCh37 (hg19) VCF-style: chr17-41246121-T-C.
Other names: p.H476R:CAT>CGT; NP_009225.1:p.His476Arg; c.1214A>G, p.His405Arg (NM_001407571.1, NM_001407853.1, NM_001407894.1 and 9 more transcripts); c.1427A>G, p.His476Arg (NM_001407581.1, NM_001407582.1, NM_001407583.1 and 30 more transcripts); c.1424A>G, p.His475Arg (NM_001407587.1, NM_001407590.1, NM_001407591.1 and 22 more transcripts); c.1418A>G, p.His473Arg (NM_001407646.1, NM_001407647.1); c.1304A>G, p.His435Arg (NM_001407648.1, NM_001407664.1, NM_001407665.1 and 19 more transcripts); c.1346A>G, p.His449Arg (NM_001407661.1, NM_001407662.1, NM_001407659.1 and 1 more transcripts); and 42 more; short protein forms H476R, H429R, H364R, H434R, H449R, H180R, H308R, H365R.
Identifiers: ClinVar variation 54251 (VCV000054251.60), dbSNP rs55720177, ClinGen allele CA000959.